The following is an entry in ClinVar:

ClinVar aggregate classification (germline): Uncertain significance. Review status: criteria provided, multiple submitters, no conflicts (2 of 4 stars). 2 submissions from 2 submitters: Uncertain significance (2). Last evaluated 2026-07-21.

Conditions:
Hereditary cancer-predisposing syndrome. Also called: Tumor predisposition; Neoplastic Syndromes, Hereditary; Hereditary Cancer Syndrome; Hereditary neoplastic syndrome. Identifiers: Orphanet 140162, MedGen C0027672, MeSH D009386, MONDO:0015356.
Hereditary diffuse gastric adenocarcinoma (HDGC). Also called: DIFFUSE GASTRIC AND LOBULAR BREAST CANCER SYNDROME. Identifiers: Orphanet 26106, MedGen C1708349, MONDO:0007648, OMIM 137215.

Allele frequency attached by ClinVar (database versions not stated): TOPMed 0.00001.
gnomAD v4.1: 22 of 1,614,046 alleles (0.0014%); highest among the groups gnomAD compares: Non-Finnish European, 0.0019%; no homozygotes.

Submissions (2):

Ambry Genetics
Classification: Uncertain significance for Hereditary cancer-predisposing syndrome. Last evaluated: 2026-07-21. Review status: criteria provided, single submitter. Criteria: Ambry Variant Classification Scheme 2023. Collection method: clinical testing. Allele origin: germline.
Comment: The p.S70T variant (also known as c.208T>A), located in coding exon 3 of the CDH1 gene, results from a T to A substitution at nucleotide position 208. The serine at codon 70 is replaced by threonine, an amino acid with similar properties. This amino acid position is well conserved in available vertebrate species. In addition, this alteration is predicted to be tolerated by in silico analysis. Since supporting evidence is limited at this time, the clinical significance of this alteration remains unclear.

Labcorp Genetics (formerly Invitae), Labcorp
Classification: Uncertain significance for Hereditary diffuse gastric adenocarcinoma. Last evaluated: 2025-05-26. Review status: criteria provided, single submitter. Criteria: Invitae Variant Classification Sherloc (09022015). Collection method: clinical testing. Allele origin: germline.
Comment: This sequence change replaces serine, which is neutral and polar, with threonine, which is neutral and polar, at codon 70 of the CDH1 protein (p.Ser70Thr). This variant is not present in population databases (gnomAD no frequency). This variant has not been reported in the literature in individuals affected with CDH1-related conditions. ClinVar contains an entry for this variant (Variation ID: 219528). An algorithm developed to predict the effect of missense changes on protein structure and function (PolyPhen-2) suggests that this variant is likely to be tolerated. In summary, the available evidence is currently insufficient to determine the role of this variant in disease. Therefore, it has been classified as a Variant of Uncertain Significance.

NM_004360.5(CDH1):c.208T>A (p.Ser70Thr)

Gene: CDH1 (cadherin 1; plus strand). Cytogenetic location: 16q22.1.
Variant type: single nucleotide variant.
Coding change: c.208T>A on transcript NM_004360.5 (MANE Select); coding-DNA position 208, T replaced by A.
Protein change: p.Ser70Thr; replaces serine 70 with threonine.
Molecular consequence: missense variant. On other transcripts: 5 prime UTR variant (2).
Genome position (GRCh38, 1-based): chr16:68,801,714, T>A. VCF-style: chr16-68801714-T-A. GRCh37 (hg19) VCF-style: chr16-68835617-T-A.
Other names: c.208T>A (LRG_301t1); c.208T>A, p.Ser70Thr (NM_001317184.2); c.-1408T>A (NM_001317185.2); c.-1612T>A (NM_001317186.2); short protein forms S70T.
Identifiers: ClinVar variation 219528 (VCV000219528.10), dbSNP rs587781862, ClinGen allele CA349131.